The following is an entry in ClinVar:

NM_001267550.2(TTN):c.81601A>T (p.Lys27201Ter)

Genes: TTN (titin; minus strand), TTN-AS1 (TTN antisense RNA 1; plus strand). Cytogenetic location: 2q31.2.
Variant type: single nucleotide variant.
Coding change: c.81601A>T on transcript NM_001267550.2 (MANE Select); coding-DNA position 81601, A replaced by T.
Protein change: p.Lys27201Ter; replaces lysine 27201 with a stop codon.
Molecular consequence: nonsense.
Genome position (GRCh38, 1-based): chr2:178,564,531, T>A on the plus strand (A>T on the coding strand, the complement: TTN is on the minus strand). VCF-style: chr2-178564531-T-A. GRCh37 (hg19) VCF-style: chr2-179429258-T-A.
Other names: c.76678A>T, p.Lys25560Ter (NM_001256850.1); c.54406A>T, p.Lys18136Ter (NM_003319.4); c.73897A>T, p.Lys24633Ter (NM_133378.4); c.54781A>T, p.Lys18261Ter (NM_133432.3); c.54982A>T, p.Lys18328Ter (NM_133437.4); short protein forms K18136*, K18261*, K18328*, K24633*, K25560*, K27201*.
Identifiers: ClinVar variation 3347317 (VCV003347317.1).

ClinVar aggregate classification (germline): Likely pathogenic (0 of 4 stars; one submission).

Conditions:
TTN-related disorder. Also called: TTN-related disorders; TTN-related condition; TTN-related disease.

Submission:

PreventionGenetics, part of Exact Sciences
Classification: Likely pathogenic for TTN-related condition. Last evaluated: 2024-05-15. Review status: no assertion criteria provided. Collection method: clinical testing. Allele origin: germline.
Comment: The TTN c.81601A>T variant is predicted to result in premature protein termination (p.Lys27201*). To our knowledge, this variant has not been reported in the literature or in a large population database, indicating this variant is rare. Nonsense variants in TTN are expected to be pathogenic. This variant is interpreted as likely pathogenic.